The following is an entry in ClinVar:

NM_001008215.3(COA5):c.184-295G>A

Gene: COA5 (cytochrome c oxidase assembly factor 5; minus strand). Cytogenetic location: 2q11.2.
Variant type: single nucleotide variant.
Coding change: c.184-295G>A on transcript NM_001008215.3 (MANE Select); 295 bases into the intron before coding-DNA position 184, G replaced by A.
Molecular consequence: intron variant.
Genome position (GRCh38, 1-based): chr2:98,601,088, C>T on the plus strand (G>A on the coding strand, the complement: COA5 is on the minus strand). VCF-style: chr2-98601088-C-T. GRCh37 (hg19) VCF-style: chr2-99217551-C-T.
Identifiers: ClinVar variation 670019 (VCV000670019.1), dbSNP rs7562232, ClinGen allele CA11311211.

ClinVar aggregate classification (germline): Benign (1 of 4 stars; one submission).

Allele frequency attached by ClinVar (database versions not stated): gnomAD 0.25819 and 0.26072; TOPMed 0.26519; 1000 Genomes Project 30x 0.27920; 1000 Genomes Project 0.28654.

Submission:

GeneDx
Classification: Benign. Last evaluated: 2018-06-14. Review status: criteria provided, single submitter. Criteria: GeneDx Variant Classification (06012015). Collection method: clinical testing. Allele origin: germline. Affected: yes.
Comment: This variant is considered likely benign or benign based on one or more of the following criteria: it is a conservative change, it occurs at a poorly conserved position in the protein, it is predicted to be benign by multiple in silico algorithms, and/or has population frequency not consistent with disease.